The following is an entry in ClinVar:

NM_001291867.2(NHS):c.333GGC[9] (p.Ala117_Val118insAlaAlaAla)

Gene: NHS (NHS actin remodeling regulator; plus strand). Cytogenetic location: Xp22.2.
Variant type: Microsatellite.
Coding change: c.333GGC[9] on transcript NM_001291867.2 (MANE Select); nine copies in a row of the 3-base unit GGC starting at c.333; the reference has six copies in a row; three copies, 9 bases duplicated.
Protein change: p.Ala117_Val118insAlaAlaAla.
Genome position (GRCh38, 1-based): chrX:17,376,099-17,376,107, GGCGGCGGC duplicated; duplicating any 9 consecutive bases within chrX:17,376,089-17,376,107 gives the same sequence; the position shown is the placement nearest the transcript's 3' end. VCF-style (leftmost placement, unchanged base first): chrX-17376088-T-TCGGCGGCGG. GRCh37 (hg19) VCF-style: chrX-17394211-T-TCGGCGGCGG.
Other names: c.333GGC[9], p.Ala117_Val118insAlaAlaAla (NM_198270.4).
Identifiers: ClinVar variation 3710076 (VCV003710076.2).

ClinVar aggregate classification (germline): Uncertain significance (1 of 4 stars; one submission).

Conditions:
Nance-Horan syndrome (NHS). Identifiers: Orphanet 627, MedGen C0796085, MONDO:0010545, OMIM 302350.

Submission:

Labcorp Genetics (formerly Invitae), Labcorp
Classification: Uncertain significance for Nance-Horan syndrome. Last evaluated: 2024-11-16. Review status: criteria provided, single submitter. Criteria: Invitae Variant Classification Sherloc (09022015). Collection method: clinical testing. Allele origin: germline.
Comment: This variant, c.342_350dup, results in the insertion of 3 amino acid(s) of the NHS protein (p.Ala115_Ala117dup), but otherwise preserves the integrity of the reading frame. This variant is not present in population databases (gnomAD no frequency). This variant has not been reported in the literature in individuals affected with NHS-related conditions. In summary, the available evidence is currently insufficient to determine the role of this variant in disease. Therefore, it has been classified as a Variant of Uncertain Significance.